The following is an entry in ClinVar:

ClinVar aggregate classification (germline): Uncertain significance (1 of 4 stars; one submission).

Allele frequency attached by ClinVar (database versions not stated): TOPMed 0.00001.

Submission:

Labcorp Genetics (formerly Invitae), Labcorp
Classification: Uncertain significance. Last evaluated: 2024-02-17. Review status: criteria provided, single submitter. Criteria: Invitae Variant Classification Sherloc (09022015). Collection method: clinical testing. Allele origin: germline.
Comment: This sequence change replaces arginine, which is basic and polar, with threonine, which is neutral and polar, at codon 915 of the DSG1 protein (p.Arg915Thr). This variant is not present in population databases (gnomAD no frequency). This variant has not been reported in the literature in individuals affected with DSG1-related conditions. An algorithm developed to predict the effect of missense changes on protein structure and function (PolyPhen-2) suggests that this variant is likely to be tolerated. In summary, the available evidence is currently insufficient to determine the role of this variant in disease. Therefore, it has been classified as a Variant of Uncertain Significance.

NM_001942.4(DSG1):c.2744G>C (p.Arg915Thr)

Genes: DSG1 (desmoglein 1; plus strand), DSG1-AS1 (DSG1 antisense RNA 1; minus strand). Cytogenetic location: 18q12.1.
Variant type: single nucleotide variant.
Coding change: c.2744G>C on transcript NM_001942.4 (MANE Select); coding-DNA position 2744, G replaced by C.
Protein change: p.Arg915Thr; replaces arginine 915 with threonine.
Molecular consequence: missense variant.
Genome position (GRCh38, 1-based): chr18:31,354,940, G>C. VCF-style: chr18-31354940-G-C. GRCh37 (hg19) VCF-style: chr18-28934903-G-C.
Other names: short protein forms R915T.
Identifiers: ClinVar variation 2770627 (VCV002770627.3), dbSNP rs981222455, ClinGen allele CA297704795.
Genomic context (GRCh38, chr18:31,354,940, plus strand): 5'-CAGAAAGGGTAATAGCACCAAGCTCTAGTCTACCCACCTCTCTGACTATCCATCATCCTA[G>C]AGAGTCTTCAAATGTGGTAGTGACAGAAAGAGTAATCCAACCAACTTCCGGCATGATAGG-3'
Protein context (NP_001933.2, residues 905-925): LPTSLTIHHP[Arg915Thr]ESSNVVVTER